The following is an entry in ClinVar:

ClinVar aggregate classification (germline): Uncertain significance. Review status: criteria provided, multiple submitters, no conflicts (2 of 4 stars). 2 submissions from 2 submitters: Uncertain significance (2). Last evaluated 2023-05-16.

Conditions:
Ehlers-Danlos syndrome, type 4 (EDSVASC). Also called: Ehlers-Danlos syndrome vascular type; Ehlers Danlos syndrome, ecchymotic type; Ehlers Danlos syndrome, arterial type; Ehlers Danlos syndrome, Sack-Barabas type; Ehlers-Danlos Syndrome Type IV. Identifiers: Orphanet 286, MedGen C0268338, MONDO:0017314, OMIM 130050.

Allele frequency attached by ClinVar (database versions not stated): gnomAD 0.00001.

Submissions (2):

Johns Hopkins Genomics, Johns Hopkins University
Classification: Uncertain significance for Ehlers-Danlos syndrome, type 4. Last evaluated: 2023-05-16. Review status: criteria provided, single submitter. Criteria: ACMG Guidelines, 2015. Collection method: clinical testing. Allele origin: germline.
Comment: This COL3A1 missense variant (rs755509578) is rare (<0.1%) in a large population dataset (gnomAD v2.1.1: 2/282350 total alleles; 0.0007%; no homozygotes). It has been reported in ClinVar (Variation ID 1448280), but has not been reported in the literature, to our knowledge. Two bioinformatic tools queried predict that this substitution would be tolerated, but these algorithms have low specificity, especially for predicting gain of function variants. The serine residue at this position is evolutionarily conserved across many species assessed, but several species have a different amino acid at this position5. We consider the clinical significance of c.113C>A;p.Ser38Tyr in COL3A1 to be uncertain at this time.

Labcorp Genetics (formerly Invitae), Labcorp
Classification: Uncertain significance for Ehlers-Danlos syndrome, type 4. Last evaluated: 2021-10-11. Review status: criteria provided, single submitter. Criteria: Invitae Variant Classification Sherloc (09022015). Collection method: clinical testing. Allele origin: germline.
Comment: In summary, the available evidence is currently insufficient to determine the role of this variant in disease. Therefore, it has been classified as a Variant of Uncertain Significance. Advanced modeling of protein sequence and biophysical properties (such as structural, functional, and spatial information, amino acid conservation, physicochemical variation, residue mobility, and thermodynamic stability) performed at Invitae indicates that this missense variant is not expected to disrupt COL3A1 protein function. This variant has not been reported in the literature in individuals affected with COL3A1-related conditions. This variant is not present in population databases (ExAC no frequency). This sequence change replaces serine with tyrosine at codon 38 of the COL3A1 protein (p.Ser38Tyr). The serine residue is moderately conserved and there is a large physicochemical difference between serine and tyrosine.

NM_000090.4(COL3A1):c.113C>A (p.Ser38Tyr)

Gene: COL3A1 (collagen type III alpha 1 chain; plus strand). Cytogenetic location: 2q32.2.
Variant type: single nucleotide variant.
Coding change: c.113C>A on transcript NM_000090.4 (MANE Select); coding-DNA position 113, C replaced by A.
Protein change: p.Ser38Tyr; replaces serine 38 with tyrosine.
Molecular consequence: missense variant.
Genome position (GRCh38, 1-based): chr2:188,984,793, C>A. VCF-style: chr2-188984793-C-A. GRCh37 (hg19) VCF-style: chr2-189849519-C-A.
Other names: c.113C>A (NM_000090.3); short protein forms S38Y.
Identifiers: ClinVar variation 1448280 (VCV001448280.8), dbSNP rs755509578, ClinGen allele CA349846881.
Genomic context (GRCh38, chr2:188,984,793, plus strand): 5'-CTTCACGTCATCTAACTTGTTTTTCAGCTGTTGAAGGAGGATGTTCCCATCTTGGTCAGT[C>A]CTATGCGGATAGAGATGTCTGGAAGCCAGAACCATGCCAAATATGTGTCTGTGACTCAGG-3'
Protein context (NP_000081.2, residues 28-48): VEGGCSHLGQ[Ser38Tyr]YADRDVWKPE